The following is an entry in ClinVar:

ClinVar aggregate classification (germline): Pathogenic (1 of 4 stars; one submission).

Conditions:
CHD7-related CHARGE syndrome. Identifiers: MedGen CN380413, MONDO:1010178, OMIM 214800.

Submission:

Variantyx, Inc.
Classification: Pathogenic for CHD7-related CHARGE syndrome. Last evaluated: 2025-06-13. Review status: criteria provided, single submitter. Criteria: Variantyx Assertion Criteria 2022. Collection method: clinical testing. Allele origin: germline. Inheritance: Autosomal recessive inheritance. Affected: yes.
Comment: This is a frameshift variant in the CHD7 gene (OMIM: 608892). Pathogenic variants in this gene have been associated with autosomal dominant CHARGE syndrome. This variant introduces a premature termination codon in exon 26 out of 38 and is expected to result in loss of function, which is a known disease mechanism for CHD7 in this disorder (PMID: 21158681, 16400610, 19248844) (PVS1). This variant is absent from control populations (PM2) and has not been reported in individuals with CHD7-related disorders in the databases available for review. Based on the current evidence, this variant is classified as pathogenic for autosomal dominant CHARGE syndrome.

Literature cited by the submitters: PubMed 21158681; PubMed 16400610; PubMed 19248844.

NM_017780.4(CHD7):c.5451del (p.Leu1818fs)

Gene: CHD7 (chromodomain helicase DNA binding protein 7; plus strand). Cytogenetic location: 8q12.2.
Variant type: Deletion.
Coding change: c.5451del on transcript NM_017780.4 (MANE Select); coding-DNA position 5451, one base deleted (T; older notation c.5451delT).
Protein change: p.Leu1818fs; shifts the reading frame from leucine 1818.
Molecular consequence: frameshift variant. On other transcripts: intron variant (1).
Genome position (GRCh38, 1-based): chr8:60,850,539, T deleted; the last of 3 consecutive T bases (chr8:60,850,537-60,850,539); deleting any one gives the same sequence. VCF-style (leftmost placement, unchanged base first): chr8-60850536-CT-C. GRCh37 (hg19) VCF-style: chr8-61763095-CT-C.
Other names: c.1717-11690del (NM_001316690.1); short protein forms L1818fs.
Identifiers: ClinVar variation 4813825 (VCV004813825.1).